The following is an entry in ClinVar:

NM_000368.5(TSC1):c.959_965del (p.Leu320fs)

Gene: TSC1 (TSC complex subunit 1; minus strand). Cytogenetic location: 9q34.13.
Variant type: Deletion.
Coding change: c.959_965del on transcript NM_000368.5 (MANE Select); coding-DNA positions 959 to 965, 7 bases deleted (TAAATAT; older notation c.959_965delTAAATAT).
Protein change: p.Leu320fs; shifts the reading frame from leucine 320.
Molecular consequence: frameshift variant.
Genome position (GRCh38, 1-based): chr9:132,911,517-132,911,523, ATATTTA deleted on the plus strand (TAAATAT on the coding strand, the reverse complement: TSC1 is on the minus strand); deleting any 7 consecutive bases within chr9:132,911,517-132,911,524 gives the same sequence; the c. name uses the placement nearest the transcript's 3' end. VCF-style (leftmost placement, unchanged base first): chr9-132911516-CATATTTA-C. GRCh37 (hg19) VCF-style: chr9-135786903-CATATTTA-C.
Other names: c.959_965del, p.Leu320fs (NM_001162426.2); c.806_812del, p.Leu269fs (NM_001162427.2); c.596_602del, p.Leu199fs (NM_001362177.2); short protein forms L269fs, L199fs, L320fs.
Identifiers: ClinVar variation 667421 (VCV000667421.4), dbSNP rs1588324615, ClinGen allele CA913188290.

ClinVar aggregate classification (germline): Pathogenic (1 of 4 stars; one submission).

Conditions:
Tuberous sclerosis syndrome (TSC). Also called: Tuberous sclerosis; Tuberous Sclerosis Complex. Identifiers: Orphanet 805, MedGen C0041341, MONDO:0001734.

Submission:

Laboratory for Molecular Medicine, Mass General Brigham Personalized Medicine
Classification: Pathogenic for Tuberous sclerosis syndrome. Last evaluated: 2018-04-27. Review status: criteria provided, single submitter. Criteria: LMM Criteria. Collection method: clinical testing. Allele origin: germline. Inheritance: Autosomal dominant inheritance. Observed: 1 variant allele.
Comment: The p.Leu320fs variant in TSC1 has been reported in one individual with tuberous sclerosis complex (TSC; Tuberous sclerosis LOVD database. nl/LOVD2/TSC/) and was absent from population studies. This variant is predicted to cause a frameshift, which alters the protein?s amino acid sequence beginning at position 320 and leads to a premature termination codon 9 amino acids downst ream. This alteration is then predicted to lead to a truncated or absent protein . Heterozygous loss of function of the TSC1 gene is an established disease mecha nism in individuals with TSC. In summary, this variant meets criteria to be clas sified as pathogenic for TSC in an autosomal dominant manner based upon the pred icted impact on the protein and absence in controls. ACMG/AMP Criteria applied: PVS1, PM2, PS4_Supporting.